The following is an entry in ClinVar:

ClinVar aggregate classification (germline): Uncertain significance (1 of 4 stars; one submission).

Allele frequency attached by ClinVar (database versions not stated): gnomAD 0.00001.
gnomAD v4.1: 1 of 1,197,907 alleles (0.000083%); highest among the groups gnomAD compares: African/African-American, 0.0018%; no homozygotes.

Submission:

Greenwood Genetic Center Diagnostic Laboratories, Greenwood Genetic Center
Classification: Uncertain significance. Last evaluated: 2023-12-05. Review status: criteria provided, single submitter. Criteria: ACMG Guidelines, 2015. Collection method: clinical testing. Allele origin: germline. Affected: yes.
Comment: PM2, PP2

NM_031407.7(HUWE1):c.10499C>T (p.Thr3500Ile)

Gene: HUWE1 (HECT, UBA and WWE domain containing E3 ubiquitin protein ligase 1; minus strand). Cytogenetic location: Xp11.22.
Variant type: single nucleotide variant.
Coding change: c.10499C>T on transcript NM_031407.7 (MANE Select); coding-DNA position 10499, C replaced by T.
Protein change: p.Thr3500Ile; replaces threonine 3500 with isoleucine.
Molecular consequence: missense variant.
Genome position (GRCh38, 1-based): chrX:53,547,810, G>A on the plus strand (C>T on the coding strand, the complement: HUWE1 is on the minus strand). VCF-style: chrX-53547810-G-A. GRCh37 (hg19) VCF-style: chrX-53574771-G-A.
Other names: short protein forms T3500I.
Identifiers: ClinVar variation 2692489 (VCV002692489.1), dbSNP rs2061611912, ClinGen allele CA413135442.